The following is an entry in ClinVar:

NM_002067.5(GNA11):c.-43_-4del

Gene: GNA11 (G protein subunit alpha 11; plus strand). Cytogenetic location: 19p13.3.
Variant type: Deletion.
Coding change: c.-43_-4del on transcript NM_002067.5 (MANE Select); 43 bases upstream of the start codon through 4 bases upstream of the start codon, 40 bases deleted.
Molecular consequence: 5 prime UTR variant.
Genome position (GRCh38, 1-based): chr19:3,094,609-3,094,648, 40 bases deleted; deleting any 40 consecutive bases within chr19:3,094,600-3,094,648 gives the same sequence; the c. name uses the placement nearest the transcript's 3' end. GRCh37 (hg19): chr19:3,094,607-3,094,646.
Identifiers: ClinVar variation 1211124 (VCV001211124.25), dbSNP rs571847017, ClinGen allele CA304298920.

ClinVar aggregate classification (germline): Likely benign. Review status: criteria provided, multiple submitters, no conflicts (2 of 4 stars). 4 submissions from 4 submitters: Likely benign (4). Last evaluated 2026-07-01.

Submissions (4):

CeGaT Center for Human Genetics Tuebingen
Classification: Likely benign. Last evaluated: 2026-07-01. Review status: criteria provided, single submitter. Criteria: CeGaT Center For Human Genetics Tuebingen Variant Classification Criteria Version 2. Collection method: clinical testing. Allele origin: germline. Affected: yes. Observed: 2 variant alleles.
Comment: GNA11: BP4

Center for Genomic Medicine, Rigshospitalet, Copenhagen University Hospital
Classification: Likely benign. Last evaluated: 2025-03-04. Review status: criteria provided, single submitter. Criteria: ACMG Guidelines, 2015. Collection method: clinical testing. Allele origin: germline.

Blueprint Genetics
Classification: Likely benign. Last evaluated: 2024-11-28. Review status: criteria provided, single submitter. Criteria: ACMG Guidelines, 2015. Collection method: clinical testing. Allele origin: germline.

GeneDx
Classification: Likely benign. Last evaluated: 2021-06-03. Review status: criteria provided, single submitter. Criteria: GeneDx Variant Classification Process June 2021. Collection method: clinical testing. Allele origin: germline. Affected: yes.